The following is an entry in ClinVar:

ClinVar aggregate classification (germline): Likely benign. Review status: criteria provided, multiple submitters, no conflicts (2 of 4 stars). 5 submissions from 5 submitters: Likely benign (4). 1 of the submissions does not count toward it. Last evaluated 2026-02-04.

Conditions:
DOCK8-related disorder. Also called: DOCK8-related condition.
Combined immunodeficiency due to DOCK8 deficiency (HIES2). Also called: HIES autosomal recessive; Hyper-IgE recurrent infection syndrome, autosomal recessive; HYPER-IgE SYNDROME 2, AUTOSOMAL RECESSIVE, WITH RECURRENT INFECTIONS; HYPER-IgE RECURRENT INFECTION SYNDROME 2, AUTOSOMAL RECESSIVE; DOCK8 Deficiency. Identifiers: Orphanet 217390, MedGen C4722305, MONDO:0009478, OMIM 243700.

Allele frequency attached by ClinVar (database versions not stated): ExAC 0.00031; gnomAD exomes 0.00032; ESP Exome Variant Server 0.00100; TOPMed 0.00108; gnomAD 0.00109 and 0.00120; 1000 Genomes Project 0.00160; 1000 Genomes Project 30x 0.00172.
gnomAD v4.1: 329 of 1,614,202 alleles (0.02%); highest among the groups gnomAD compares: African/African-American, 0.35%; 2 homozygotes.

Submissions (5):

Labcorp Genetics (formerly Invitae), Labcorp
Classification: Likely benign for Combined immunodeficiency due to DOCK8 deficiency. Last evaluated: 2026-02-04. Review status: criteria provided, single submitter. Criteria: Invitae Variant Classification Sherloc (09022015). Collection method: clinical testing. Allele origin: germline.

Mayo Clinic Laboratories, Mayo Clinic
Classification: Likely benign. Last evaluated: 2025-03-25. Review status: criteria provided, single submitter. Criteria: ACMG Guidelines, 2015. Collection method: clinical testing. Allele origin: germline. Observed: 2 variant alleles.
Comment: BS1, BP4_moderate

Blueprint Genetics
Classification: Likely benign. Last evaluated: 2024-07-18. Review status: criteria provided, single submitter. Criteria: ACMG Guidelines, 2015. Collection method: clinical testing. Allele origin: germline.

Laboratory for Molecular Medicine, Mass General Brigham Personalized Medicine
Classification: Likely benign. Last evaluated: 2013-12-27. Review status: criteria provided, single submitter. Criteria: LMM Criteria. Collection method: clinical testing. Allele origin: germline. Observed: 1 variant allele.
Comment: Val1276Leu in exon30 of DOCK8: This variant is not expected to have clinical sig nificance because it has been identified in 0.3% (13/4406) of African American c hromosomes by the NHLBI Exome Sequencing Project (VS; dbSNP rs148796842). In addition, valine at position 1276 is poorly conserved in evolution, suggesting that a change may be tolerated.

PreventionGenetics, part of Exact Sciences
Classification: Likely benign for DOCK8-related condition. Last evaluated: 2022-05-12. Review status: no assertion criteria provided. Collection method: clinical testing. Allele origin: germline. Not counted in ClinVar's aggregate classification.
Comment: This variant is classified as likely benign based on ACMG/AMP sequence variant interpretation guidelines (Richards et al. 2015 PMID: 25741868, with internal and published modifications).

NM_203447.4(DOCK8):c.3826G>T (p.Val1276Leu)

Gene: DOCK8 (dedicator of cytokinesis 8; plus strand). Cytogenetic location: 9p24.3.
Variant type: single nucleotide variant.
Coding change: c.3826G>T on transcript NM_203447.4 (MANE Select); coding-DNA position 3826, G replaced by T.
Protein change: p.Val1276Leu; replaces valine 1276 with leucine.
Molecular consequence: missense variant.
Genome position (GRCh38, 1-based): chr9:418,193, G>T. VCF-style: chr9-418193-G-T. GRCh37 (hg19) VCF-style: chr9-418193-G-T.
Other names: c.3526G>T, p.Val1176Leu (NM_001190458.2); c.3622G>T, p.Val1208Leu (NM_001193536.2); short protein forms V1276L, V1208L, V1176L.
Identifiers: ClinVar variation 178768 (VCV000178768.19), dbSNP rs148796842, ClinGen allele CA182988.